The following is an entry in ClinVar:

NM_004813.4(PEX16):c.752T>G (p.Val251Gly)

Gene: PEX16 (peroxisomal biogenesis factor 16; minus strand). Cytogenetic location: 11p11.2.
Variant type: single nucleotide variant.
Coding change: c.752T>G on transcript NM_004813.4 (MANE Select); coding-DNA position 752, T replaced by G.
Protein change: p.Val251Gly; replaces valine 251 with glycine.
Molecular consequence: missense variant.
Genome position (GRCh38, 1-based): chr11:45,914,146, A>C on the plus strand (T>G on the coding strand, the complement: PEX16 is on the minus strand). VCF-style: chr11-45914146-A-C. GRCh37 (hg19) VCF-style: chr11-45935697-A-C.
Other names: c.752T>G, p.Val251Gly (NM_057174.3); c.752T>G (NM_004813.2); short protein forms V251G.
Identifiers: ClinVar variation 1435899 (VCV001435899.7), dbSNP rs759092071, ClinGen allele CA5959846.
Genomic context (GRCh38, chr11:45,914,146, plus strand): 5'-AGAAAGCCCAGTGGAGAGTGAAGCCCCAGGCAGGCCCAGGCTCACCTGGTCACGTCCACA[A>C]CACCAGCCAAGAGCCAGGGTTTCCACGACCTCTGACCCCACAGGCCCAGGCTGAGCACTG-3'
Protein context (NP_004804.2, residues 241-261): RSWKPWLLAG[Val251Gly]VDVTSLSLLS

ClinVar aggregate classification (germline): Uncertain significance. Review status: criteria provided, multiple submitters, no conflicts (2 of 4 stars). 2 submissions from 2 submitters: Uncertain significance (2). Last evaluated 2026-01-21.

Conditions:
Inborn genetic diseases. Identifiers: MedGen C0950123, MeSH D030342.
Peroxisome biogenesis disorder. Identifiers: Orphanet 79189, MedGen C1832200, MONDO:0019234. Disease mechanism: loss of function.

Allele frequency attached by ClinVar (database versions not stated): gnomAD 0.00001; gnomAD exomes 0.00002 and 0.00006; ExAC 0.00003; TOPMed 0.00005.
gnomAD v4.1: 91 of 1,604,598 alleles (0.0057%); highest among the groups gnomAD compares: South Asian, 0.019%; no homozygotes.

Submissions (2):

Labcorp Genetics (formerly Invitae), Labcorp
Classification: Uncertain significance for Peroxisome biogenesis disorder. Last evaluated: 2026-01-21. Review status: criteria provided, single submitter. Criteria: Invitae Variant Classification Sherloc (09022015). Collection method: clinical testing. Allele origin: germline.
Comment: This sequence change replaces valine, which is neutral and non-polar, with glycine, which is neutral and non-polar, at codon 251 of the PEX16 protein (p.Val251Gly). This variant is present in population databases (rs759092071, gnomAD 0.007%). This variant has not been reported in the literature in individuals affected with PEX16-related conditions. ClinVar contains an entry for this variant (Variation ID: 1435899). Invitae Evidence Modeling of protein sequence and biophysical properties (such as structural, functional, and spatial information, amino acid conservation, physicochemical variation, residue mobility, and thermodynamic stability) indicates that this missense variant is not expected to disrupt PEX16 protein function with a negative predictive value of 80%. In summary, the available evidence is currently insufficient to determine the role of this variant in disease. Therefore, it has been classified as a Variant of Uncertain Significance.

Ambry Genetics
Classification: Uncertain significance for Inborn genetic diseases. Last evaluated: 2025-06-19. Review status: criteria provided, single submitter. Criteria: Ambry Variant Classification Scheme 2023. Collection method: clinical testing. Allele origin: germline.